The following is an entry in ClinVar:

ClinVar aggregate classification (germline): Uncertain significance (1 of 4 stars; one submission).

Conditions:
Acrocallosal syndrome (ACLS). Also called: HALLUX DUPLICATION, POSTAXIAL POLYDACTYLY, AND ABSENCE OF CORPUS CALLOSUM; Schinzel syndrome 1; Absence of corpus callosum with unusual facial appearance, mental deficiency, duplication of the halluces and polydactyly. Identifiers: Orphanet 36, MedGen C0796147, MONDO:0008708, OMIM 200990.

Allele frequency attached by ClinVar (database versions not stated): gnomAD exomes below 0.00001 and 0.00001; gnomAD 0.00001; TOPMed 0.00001.
gnomAD v4.1: 15 of 1,596,504 alleles (0.00094%); highest among the groups gnomAD compares: Non-Finnish European, 0.0013%; no homozygotes.

Submission:

Labcorp Genetics (formerly Invitae), Labcorp
Classification: Uncertain significance for Acrocallosal syndrome. Last evaluated: 2021-10-11. Review status: criteria provided, single submitter. Criteria: Invitae Variant Classification Sherloc (09022015). Collection method: clinical testing. Allele origin: germline.
Comment: In summary, the available evidence is currently insufficient to determine the role of this variant in disease. Therefore, it has been classified as a Variant of Uncertain Significance. Algorithms developed to predict the effect of missense changes on protein structure and function are either unavailable or do not agree on the potential impact of this missense change (SIFT: "Deleterious"; PolyPhen-2: "Probably Damaging"; Align-GVGD: "Class C15"). This variant has not been reported in the literature in individuals affected with KIF7-related conditions. This variant is not present in population databases (ExAC no frequency). This sequence change replaces glutamine with histidine at codon 1170 of the KIF7 protein (p.Gln1170His). The glutamine residue is highly conserved and there is a small physicochemical difference between glutamine and histidine.

NM_198525.3(KIF7):c.3510G>T (p.Gln1170His)

Genes: KIF7 (kinesin family member 7; minus strand), LOC126862216 (BRD4-independent group 4 enhancer GRCh37_chr15:90171995-90173194; plus strand). Cytogenetic location: 15q26.1.
Variant type: single nucleotide variant.
Coding change: c.3510G>T on transcript NM_198525.3 (MANE Select); coding-DNA position 3510, G replaced by T.
Protein change: p.Gln1170His; replaces glutamine 1170 with histidine.
Molecular consequence: missense variant.
Genome position (GRCh38, 1-based): chr15:89,629,382, C>A on the plus strand (G>T on the coding strand, the complement: KIF7 is on the minus strand). VCF-style: chr15-89629382-C-A. GRCh37 (hg19) VCF-style: chr15-90172613-C-A.
Other names: short protein forms Q1170H.
Identifiers: ClinVar variation 1511752 (VCV001511752.4), dbSNP rs1198876598, ClinGen allele CA393754545.